The following is an entry in ClinVar:

NM_001165963.4(SCN1A):c.4672A>G (p.Met1558Val)

Genes: SCN1A (sodium voltage-gated channel alpha subunit 1; minus strand), LOC102724058 (uncharacterized LOC102724058; plus strand). Cytogenetic location: 2q24.3.
Variant type: single nucleotide variant.
Coding change: c.4672A>G on transcript NM_001165963.4 (MANE Select); coding-DNA position 4672, A replaced by G.
Protein change: p.Met1558Val; replaces methionine 1558 with valine.
Molecular consequence: missense variant. On other transcripts: non-coding transcript variant (1).
Genome position (GRCh38, 1-based): chr2:165,994,326, T>C on the plus strand (A>G on the coding strand, the complement: SCN1A is on the minus strand). VCF-style: chr2-165994326-T-C. GRCh37 (hg19) VCF-style: chr2-166850836-T-C.
Other names: c.4672A>G, p.Met1558Val (NM_001353948.2, NM_001202435.3); c.4639A>G, p.Met1547Val (NM_001353949.2, NM_001353950.2, NM_001353951.2 and 2 more transcripts); c.4636A>G, p.Met1546Val (NM_001353954.2, NM_001353955.2); c.4588A>G, p.Met1530Val (NM_001353957.2, NM_001353958.2, NM_001165964.3); c.4585A>G, p.Met1529Val (NM_001353960.2); c.2230A>G, p.Met744Val (NM_001353961.2); short protein forms M1529V, M1530V, M1546V, M1547V, M1558V, M744V.
Identifiers: ClinVar variation 2502734 (VCV002502734.1), dbSNP rs2468360630, ClinGen allele CA349072146.
Genomic context (GRCh38, chr2:165,994,326, plus strand): 5'-GATTGATGCGTGACAAAATGGTAGTCACATATTCACTCTGGTCATCTGTTTCCACCATCA[T>C]TGTGACCATGTTAAGACAGATGAGAATCATGATGCTTATGTCAAAAACTTGTCTGGTTAC-3'
Protein context (NP_001159435.1, residues 1548-1568): MILICLNMVT[Met1558Val]MVETDDQSEY

ClinVar aggregate classification (germline): Uncertain significance (1 of 4 stars; one submission).

Submission:

GeneDx
Classification: Uncertain significance. Last evaluated: 2022-11-17. Review status: criteria provided, single submitter. Criteria: GeneDx Variant Classification Process June 2021. Collection method: clinical testing. Allele origin: germline. Affected: yes.
Comment: Not observed at significant frequency in large population cohorts (gnomAD); Missense variants in this gene are often considered pathogenic (HGMD); In silico analysis supports that this missense variant has a deleterious effect on protein structure/function; This substitution is predicted to be within the transmembrane segment S1 of the fourth homologous domain; Has not been previously published as pathogenic or benign to our knowledge